The following is an entry in ClinVar:

ClinVar aggregate classification (germline): Uncertain significance. Review status: criteria provided, multiple submitters, no conflicts (2 of 4 stars). 2 submissions from 2 submitters: Uncertain significance (2). Last evaluated 2025-01-18.

Allele frequency attached by ClinVar (database versions not stated): gnomAD 0.00001; TOPMed 0.00001.

Submissions (2):

Ambry Genetics
Classification: Uncertain significance. Last evaluated: 2025-01-18. Review status: criteria provided, single submitter. Criteria: Ambry Variant Classification Scheme 2023. Collection method: clinical testing. Allele origin: germline.

Labcorp Genetics (formerly Invitae), Labcorp
Classification: Uncertain significance. Last evaluated: 2022-03-29. Review status: criteria provided, single submitter. Criteria: Invitae Variant Classification Sherloc (09022015). Collection method: clinical testing. Allele origin: germline.
Comment: This sequence change replaces glutamic acid, which is acidic and polar, with lysine, which is basic and polar, at codon 59 of the SBF1 protein (p.Glu59Lys). This variant is present in population databases (no rsID available, gnomAD 0.004%). This variant has not been reported in the literature in individuals affected with SBF1-related conditions. Algorithms developed to predict the effect of missense changes on protein structure and function (SIFT, PolyPhen-2, Align-GVGD) all suggest that this variant is likely to be tolerated. In summary, the available evidence is currently insufficient to determine the role of this variant in disease. Therefore, it has been classified as a Variant of Uncertain Significance.

NM_002972.4(SBF1):c.175G>A (p.Glu59Lys)

Gene: SBF1 (SET binding factor 1; minus strand). Cytogenetic location: 22q13.33.
Variant type: single nucleotide variant.
Coding change: c.175G>A on transcript NM_002972.4 (MANE Select); coding-DNA position 175, G replaced by A.
Protein change: p.Glu59Lys; replaces glutamic acid 59 with lysine.
Molecular consequence: missense variant.
Genome position (GRCh38, 1-based): chr22:50,467,890, C>T on the plus strand (G>A on the coding strand, the complement: SBF1 is on the minus strand). VCF-style: chr22-50467890-C-T. GRCh37 (hg19) VCF-style: chr22-50906319-C-T.
Other names: c.175G>A (NM_002972.2); c.175G>A, p.Glu59Lys (NM_001365819.1, NM_001410794.1, NM_001410795.1 and 1 more transcripts); short protein forms E59K.
Identifiers: ClinVar variation 1931054 (VCV001931054.6), dbSNP rs1412088586, ClinGen allele CA412224397.